The following is an entry in ClinVar:

ClinVar aggregate classification (germline): Uncertain significance. Review status: criteria provided, multiple submitters, no conflicts (2 of 4 stars). 2 submissions from 2 submitters: Uncertain significance (2). Last evaluated 2024-12-19.

Conditions:
Dilated cardiomyopathy 1G (CMD1G). Identifiers: Orphanet 154, MedGen C1858763, MONDO:0011400, OMIM 604145.

gnomAD v4.1: 2 of 1,613,624 alleles (0.00012%); highest among the groups gnomAD compares: Middle Eastern, 0.017%; no homozygotes.

Submissions (2):

Genomic Medicine Center of Excellence, King Faisal Specialist Hospital and Research Centre
Classification: Uncertain significance for Dilated cardiomyopathy 1G. Last evaluated: 2024-12-19. Review status: criteria provided, single submitter. Criteria: ACMG Guidelines, 2015. Collection method: clinical testing. Allele origin: germline.

Women's Health and Genetics/Laboratory Corporation of America, LabCorp
Classification: Uncertain significance. Last evaluated: 2021-07-06. Review status: criteria provided, single submitter. Criteria: LabCorp Variant Classification Summary - May 2015. Collection method: clinical testing. Allele origin: germline.
Comment: Variant summary: TTN c.62996A>C (p.Tyr20999Ser) results in a non-conservative amino acid change located in the A-band domain of the encoded protein sequence. Four of four in-silico tools predict a damaging effect of the variant on protein function. The variant was absent in 248290 control chromosomes. The available data on variant occurrences in the general population are insufficient to allow any conclusion about variant significance. To our knowledge, no occurrence of c.62996A>C in individuals affected with Dilated Cardiomyopathy and no experimental evidence demonstrating its impact on protein function have been reported. No clinical diagnostic laboratories have submitted clinical-significance assessments for this variant to ClinVar after 2014. Based on the evidence outlined above, the variant was classified as uncertain significance.

NM_001267550.2(TTN):c.70700A>C (p.Tyr23567Ser)

Genes: TTN-AS1 (TTN antisense RNA 1; plus strand), TTN (titin; minus strand). Cytogenetic location: 2q31.2.
Variant type: single nucleotide variant.
Coding change: c.70700A>C on transcript NM_001267550.2 (MANE Select); coding-DNA position 70700, A replaced by C.
Protein change: p.Tyr23567Ser; replaces tyrosine 23567 with serine.
Molecular consequence: missense variant.
Genome position (GRCh38, 1-based): chr2:178,575,432, T>G on the plus strand (A>C on the coding strand, the complement: TTN is on the minus strand). VCF-style: chr2-178575432-T-G. GRCh37 (hg19) VCF-style: chr2-179440159-T-G.
Other names: c.65777A>C, p.Tyr21926Ser (NM_001256850.1); c.43505A>C, p.Tyr14502Ser (NM_003319.4); c.62996A>C, p.Tyr20999Ser (NM_133378.4); c.43880A>C, p.Tyr14627Ser (NM_133432.3); c.44081A>C, p.Tyr14694Ser (NM_133437.4); short protein forms Y14502S, Y14627S, Y14694S, Y20999S, Y21926S, Y23567S.
Identifiers: ClinVar variation 1177266 (VCV001177266.2), dbSNP rs1004548694, ClinGen allele CA61002775.